The following is an entry in ClinVar:

NM_001347674.1(KRTAP5-4):c.187G>A (p.Val63Met)

Gene: KRTAP5-4 (keratin associated protein 5-4; minus strand). Cytogenetic location: 11p15.5.
Variant type: single nucleotide variant.
Coding change: c.187G>A on transcript NM_001347674.1 (MANE Select); coding-DNA position 187, G replaced by A.
Protein change: p.Val63Met; replaces valine 63 with methionine.
Molecular consequence: missense variant.
Genome position (GRCh38, 1-based): chr11:1,621,907, C>T on the plus strand (G>A on the coding strand, the complement: KRTAP5-4 is on the minus strand). VCF-style: chr11-1621907-C-T. GRCh37 (hg19) VCF-style: chr11-1643137-C-T.
Other names: c.187G>A (NM_001012709.1); short protein forms V63M.
Identifiers: ClinVar variation 3289748 (VCV003289748.1).

ClinVar aggregate classification (germline): Uncertain significance (1 of 4 stars; one submission).

Submission:

Ambry Genetics
Classification: Uncertain significance. Last evaluated: 2024-04-23. Review status: criteria provided, single submitter. Criteria: Ambry Variant Classification Scheme 2023. Collection method: clinical testing. Allele origin: germline.
Comment: The c.187G>A (p.V63M) alteration is located in exon (coding exon ) of the KRTAP5-4 gene. This alteration results from a G to A substitution at nucleotide position 187, causing the valine (V) at amino acid position 63 to be replaced by a methionine (M). Based on insufficient or conflicting evidence, the clinical significance of this alteration remains unclear.